The following is an entry in ClinVar:

NM_001292034.3(TAB2):c.344G>C (p.Gly115Ala)

Gene: TAB2 (TGF-beta activated kinase 1 (MAP3K7) binding protein 2; plus strand). Cytogenetic location: 6q25.1.
Variant type: single nucleotide variant.
Coding change: c.344G>C on transcript NM_001292034.3 (MANE Select); coding-DNA position 344, G replaced by C.
Protein change: p.Gly115Ala; replaces glycine 115 with alanine.
Molecular consequence: missense variant.
Genome position (GRCh38, 1-based): chr6:149,378,259, G>C. VCF-style: chr6-149378259-G-C. GRCh37 (hg19) VCF-style: chr6-149699395-G-C.
Other names: c.248G>C, p.Gly83Ala (NM_001292035.3); c.344G>C, p.Gly115Ala (NM_001369506.1, NM_015093.6); short protein forms G115A, G83A.
Identifiers: ClinVar variation 4534632 (VCV004534632.6).

ClinVar aggregate classification (germline): Uncertain significance (1 of 4 stars; one submission).

Submission:

CeGaT Center for Human Genetics Tuebingen
Classification: Uncertain significance. Last evaluated: 2025-09-01. Review status: criteria provided, single submitter. Criteria: CeGaT Center For Human Genetics Tuebingen Variant Classification Criteria Version 2. Collection method: clinical testing. Allele origin: germline. Affected: yes. Observed: 1 variant allele.
Comment: TAB2: PM2, BP4